The following is an entry in ClinVar:

Single allele

Genes: ZNF778 (zinc finger protein 778; plus strand), ANKRD11 (ankyrin repeat domain 11; minus strand), LOC130059798 (ATAC-STARR-seq lymphoblastoid silent region 7897; plus strand), LOC125177395 (Sharpr-MPRA regulatory region 2584; plus strand), LOC130059797 (ATAC-STARR-seq lymphoblastoid silent region 7896; plus strand). Cytogenetic location: 16q24.3.
Variant type: Deletion.
Identifiers: ClinVar variation 2665007 (VCV002665007.1).

ClinVar aggregate classification (germline): Likely pathogenic (1 of 4 stars; one submission).

Conditions:
KBG syndrome (KBGS). Also called: ANKRD11-Related KBG Syndrome. Identifiers: Orphanet 2332, MedGen C0220687, MONDO:0007846, OMIM 148050.

Submission:

New York Genome Center
Classification: Likely pathogenic for KBG syndrome. Last evaluated: 2022-10-03. Review status: criteria provided, single submitter. Criteria: NYGC Assertion Criteria 2020. Collection method: clinical testing. Allele origin: de novo. Affected: yes. Observed: 1 variant allele.
Comment: The de novo copy number loss identified here is a ~37.3Kb deletion on the long arm of chromosome 16. This deletion contains ZNF778 and exon 13 of OMIM annotated ANKRD11, which is associated with KBG syndrome (MIM #148050). While the exact deletion identified here has not been previously reported in an affected individual in the literature, similar partial or completely overlapped 16q24.3 microdeletions have been reported in affected KBG syndrome individuals with features of developmental delay, intellectual disability, behavioral issues, speech delay, facial anomalies including macrodontia [PMID: 19920853, 23885231, 22307766, 21654729, 34440431]. The shortest common overlapping region among these reported individuals have been narrowed to ~28.3 kb encompassing the exon 13 of ANKRD11 [PMID: 23463723], suggesting it to be a critical gene for the KBG phenotype. The ~37.3Kb, 16q24.3 de novo deletion identified here has not been observed in the Database of Genomic Variants(DVG) nor in gnomAD SVs(v2.1), suggesting it is not a common benign variant in the populations represented in this database. Based on the available evidence, this ~37.3Kb, de novo copy number loss Chr16:g(89232406_89233606)_(89269724_89268645)del is reported as Likely Pathogenic.